The following is an entry in ClinVar:

NM_001083961.2(WDR62):c.3328G>T (p.Ala1110Ser)

Gene: WDR62 (WD repeat domain 62; plus strand). Cytogenetic location: 19q13.12.
Variant type: single nucleotide variant.
Coding change: c.3328G>T on transcript NM_001083961.2 (MANE Select); coding-DNA position 3328, G replaced by T.
Protein change: p.Ala1110Ser; replaces alanine 1110 with serine.
Molecular consequence: missense variant.
Genome position (GRCh38, 1-based): chr19:36,102,844, G>T. VCF-style: chr19-36102844-G-T. GRCh37 (hg19) VCF-style: chr19-36593746-G-T.
Other names: c.3313G>T, p.Ala1105Ser (NM_173636.5); short protein forms A1105S, A1110S.
Identifiers: ClinVar variation 1345826 (VCV001345826.5), dbSNP rs2145872131, ClinGen allele CA405452255.

ClinVar aggregate classification (germline): Uncertain significance (1 of 4 stars; one submission).

Submission:

Labcorp Genetics (formerly Invitae), Labcorp
Classification: Uncertain significance. Last evaluated: 2022-09-27. Review status: criteria provided, single submitter. Criteria: Invitae Variant Classification Sherloc (09022015). Collection method: clinical testing. Allele origin: germline.
Comment: ClinVar contains an entry for this variant (Variation ID: 1345826). In summary, the available evidence is currently insufficient to determine the role of this variant in disease. Therefore, it has been classified as a Variant of Uncertain Significance. Advanced modeling of protein sequence and biophysical properties (such as structural, functional, and spatial information, amino acid conservation, physicochemical variation, residue mobility, and thermodynamic stability) performed at Invitae indicates that this missense variant is not expected to disrupt WDR62 protein function. This variant has not been reported in the literature in individuals affected with WDR62-related conditions. This variant is not present in population databases (gnomAD no frequency). This sequence change replaces alanine, which is neutral and non-polar, with serine, which is neutral and polar, at codon 1110 of the WDR62 protein (p.Ala1110Ser).